The following is an entry in ClinVar:

ClinVar aggregate classification (germline): Pathogenic (1 of 4 stars; one submission).

Conditions:
Pontocerebellar hypoplasia type 1A (PCH1A). Also called: PONTOCEREBELLAR HYPOPLASIA WITH ANTERIOR HORN CELL DISEASE; PONTOCEREBELLAR HYPOPLASIA WITH INFANTILE SPINAL MUSCULAR ATROPHY. Identifiers: Orphanet 2254, Orphanet 88616, MedGen C1843504, MONDO:0011866, OMIM 607596.

Submission:

Labcorp Genetics (formerly Invitae), Labcorp
Classification: Pathogenic for Pontocerebellar hypoplasia type 1A. Last evaluated: 2023-02-26. Review status: criteria provided, single submitter. Criteria: Invitae Variant Classification Sherloc (09022015). Collection method: clinical testing. Allele origin: germline.
Comment: This variant is not present in population databases (gnomAD no frequency). This variant has not been reported in the literature in individuals affected with VRK1-related conditions. This variant is also known as c.160+1del. ClinVar contains an entry for this variant (Variation ID: 2150009). Algorithms developed to predict the effect of sequence changes on RNA splicing suggest that this variant may disrupt the consensus splice site. For these reasons, this variant has been classified as Pathogenic. This sequence change creates a premature translational stop signal (Splice site) in the VRK1 gene. It is expected to result in an absent or disrupted protein product. Loss-of-function variants in VRK1 are known to be pathogenic (PMID: 19646678, 24126608, 27281532).

Literature cited by the submitters: PubMed 19646678; PubMed 24126608; PubMed 27281532.

NM_003384.3(VRK1):c.160+1del

Gene: VRK1 (VRK serine/threonine kinase 1; plus strand). Cytogenetic location: 14q32.2.
Variant type: Deletion.
Coding change: c.160+1del on transcript NM_003384.3 (MANE Select); the canonical splice donor site of the intron after coding-DNA position 160, one base deleted (G; older notation c.160+1delG).
Molecular consequence: splice donor variant.
Genome position (GRCh38, 1-based): chr14:96,833,632, G deleted; the last of 2 consecutive G bases (chr14:96,833,631-96,833,632); deleting either gives the same sequence. VCF-style (leftmost placement, unchanged base first): chr14-96833630-TG-T. GRCh37 (hg19) VCF-style: chr14-97299967-TG-T.
Other names: c.160+1del (NM_001411051.1, NM_001411053.1).
Identifiers: ClinVar variation 2150009 (VCV002150009.4), dbSNP rs1887100980, ClinGen allele CA966307775.